The following is an entry in ClinVar:

ClinVar aggregate classification (germline): Likely pathogenic (1 of 4 stars; one submission).

Conditions:
Inborn genetic diseases. Identifiers: MedGen C0950123, MeSH D030342.

Submission:

Ambry Genetics
Classification: Likely pathogenic for Inborn genetic diseases. Last evaluated: 2025-06-26. Review status: criteria provided, single submitter. Criteria: Ambry Variant Classification Scheme 2023. Collection method: clinical testing. Allele origin: germline.
Comment: The c.872+1G>T intronic variant results from a G to T substitution one nucleotide after coding exon 3 of the WT1 gene. This variant was reported in individual(s) with bilateral Wilms tumors (Ambry internal data). This variant is considered to be rare based on population cohorts in the Genome Aggregation Database (gnomAD). This nucleotide position is highly conserved in available vertebrate species. In silico splice site analysis predicts that this alteration will weaken the native splice donor site. Alterations that disrupt the canonical splice site are expected to cause aberrant splicing, resulting in an abnormal protein or a transcript that is subject to nonsense-mediated mRNA decay. As such, this alteration is classified as likely pathogenic.

NM_024426.6(WT1):c.887+1G>T

Gene: WT1 (WT1 transcription factor; minus strand). Cytogenetic location: 11p13.
Variant type: single nucleotide variant.
Coding change: c.887+1G>T on transcript NM_024426.6 (MANE Select); the canonical splice donor site of the intron after coding-DNA position 887, G replaced by T.
Molecular consequence: splice donor variant.
Genome position (GRCh38, 1-based): chr11:32,427,955, C>A on the plus strand (G>T on the coding strand, the complement: WT1 is on the minus strand). VCF-style: chr11-32427955-C-A. GRCh37 (hg19) VCF-style: chr11-32449501-C-A.
Other names: c.764+1G>T (NM_001407050.1, NM_001407047.1); c.887+1G>T (NM_001407048.1, NM_001407049.1, NM_000378.6 and 4 more transcripts); c.668+1G>T (NM_001429034.1, NM_001429033.1, NM_001429032.1 and 1 more transcripts); c.125+1G>T (NM_001407051.1); c.236+1G>T (NM_001198552.2, NM_001198551.2).
Identifiers: ClinVar variation 4202211 (VCV004202211.1).